The following is an entry in ClinVar:

NM_013444.4(UBQLN2):c.509_510delinsTA (p.Gln170Leu)

Genes: UBQLN2 (ubiquilin 2; plus strand), LOC130068339 (ATAC-STARR-seq lymphoblastoid active region 29687; plus strand). Cytogenetic location: Xp11.21.
Variant type: Indel.
Coding change: c.509_510delinsTA on transcript NM_013444.4 (MANE Select); coding-DNA positions 509 to 510, AG replaced by TA.
Protein change: p.Gln170Leu; replaces glutamine 170 with leucine.
Molecular consequence: missense variant.
Genome position (GRCh38, 1-based): chrX:56,564,382-56,564,383, AG replaced by TA. VCF-style: chrX-56564382-AG-TA. GRCh37 (hg19) VCF-style: chrX-56590815-AG-TA.
Other names: c.509_510delAGinsTA, p.Gln170Leu (NM_013444.3); short protein forms Q170L.
Identifiers: ClinVar variation 2443452 (VCV002443452.2), dbSNP rs2519962078, ClinGen allele CA2580101259.

ClinVar aggregate classification (germline): Uncertain significance (1 of 4 stars; one submission).

Submission:

GeneDx
Classification: Uncertain significance. Last evaluated: 2024-10-04. Review status: criteria provided, single submitter. Criteria: GeneDx Variant Classification Process June 2021. Collection method: clinical testing. Allele origin: germline. Affected: yes.
Comment: Not observed at significant frequency in large population cohorts (gnomAD); In silico analysis supports a deleterious effect on protein structure/function; Has not been previously published as pathogenic or benign to our knowledge